The following is an entry in ClinVar:

NM_015295.3(SMCHD1):c.4972G>A (p.Val1658Ile)

Gene: SMCHD1 (structural maintenance of chromosomes flexible hinge domain containing 1; plus strand). Cytogenetic location: 18p11.32.
Variant type: single nucleotide variant.
Coding change: c.4972G>A on transcript NM_015295.3 (MANE Select); coding-DNA position 4972, G replaced by A.
Protein change: p.Val1658Ile; replaces valine 1658 with isoleucine.
Molecular consequence: missense variant.
Genome position (GRCh38, 1-based): chr18:2,771,538, G>A. VCF-style: chr18-2771538-G-A. GRCh37 (hg19) VCF-style: chr18-2771536-G-A.
Other names: short protein forms V1658I.
Identifiers: ClinVar variation 4743048 (VCV004743048.1).

ClinVar aggregate classification (germline): Uncertain significance (1 of 4 stars; one submission).

Conditions:
Facioscapulohumeral muscular dystrophy 2 (FSHD2). Also called: MUSCULAR DYSTROPHY, FACIOSCAPULOHUMERAL, TYPE 1B; FACIOSCAPULOHUMERAL MUSCULAR DYSTROPHY 2, DIGENIC; FSHD2, DIGENIC. Identifiers: Orphanet 269, MedGen C1834671, MONDO:0008031, OMIM 158901.

gnomAD v4.1: 2 of 1,560,662 alleles (0.00013%); highest among the groups gnomAD compares: Non-Finnish European, 0.00017%; no homozygotes.

Submission:

Labcorp Genetics (formerly Invitae), Labcorp
Classification: Uncertain significance for Facioscapulohumeral muscular dystrophy 2. Last evaluated: 2025-12-21. Review status: criteria provided, single submitter. Criteria: Invitae Variant Classification Sherloc (09022015). Collection method: clinical testing. Allele origin: germline.
Comment: This sequence change replaces valine, which is neutral and non-polar, with isoleucine, which is neutral and non-polar, at codon 1658 of the SMCHD1 protein (p.Val1658Ile). This variant is not present in population databases (gnomAD no frequency). This variant has not been reported in the literature in individuals affected with SMCHD1-related conditions. Invitae Evidence Modeling of protein sequence and biophysical properties (such as structural, functional, and spatial information, amino acid conservation, physicochemical variation, residue mobility, and thermodynamic stability) indicates that this missense variant is not expected to disrupt SMCHD1 protein function with a negative predictive value of 80%. In summary, the available evidence is currently insufficient to determine the role of this variant in disease. Therefore, it has been classified as a Variant of Uncertain Significance.